The following is an entry in ClinVar:

NM_020949.3(SLC7A14):c.1940T>C (p.Met647Thr)

Genes: SLC7A14 (solute carrier family 7 member 14; minus strand), SLC7A14-AS1 (SLC7A14 antisense RNA 1; plus strand). Cytogenetic location: 3q26.2.
Variant type: single nucleotide variant.
Coding change: c.1940T>C on transcript NM_020949.3 (MANE Select); coding-DNA position 1940, T replaced by C.
Protein change: p.Met647Thr; replaces methionine 647 with threonine.
Molecular consequence: missense variant.
Genome position (GRCh38, 1-based): chr3:170,480,342, A>G on the plus strand (T>C on the coding strand, the complement: SLC7A14 is on the minus strand). VCF-style: chr3-170480342-A-G. GRCh37 (hg19) VCF-style: chr3-170198131-A-G.
Other names: short protein forms M647T.
Identifiers: ClinVar variation 1008601 (VCV001008601.8), dbSNP rs1486237762, ClinGen allele CA355488457.
Genomic context (GRCh38, chr3:170,480,342, plus strand): 5'-TGCTTACCCACAAAGCACCAGACCGCAAACCGGATCCATGTGATGGTGGAGAGCTTTAGC[A>G]TGAGATAGATGTTCACCAGCATGGCAAAGGCAGGCACAAAGGGGAGGCAAGGGGCCATGT-3'
Protein context (NP_066000.2, residues 637-657): AFAMLVNIYL[Met647Thr]LKLSTITWIR

ClinVar aggregate classification (germline): Uncertain significance (1 of 4 stars; one submission).

Allele frequency attached by ClinVar (database versions not stated): gnomAD 0.00001; gnomAD exomes 0.00001; TOPMed 0.00001.
gnomAD v4.1: 12 of 1,580,388 alleles (0.00076%); highest among the groups gnomAD compares: Admixed American, 0.0054%; no homozygotes.

Submission:

Labcorp Genetics (formerly Invitae), Labcorp
Classification: Uncertain significance. Last evaluated: 2024-11-11. Review status: criteria provided, single submitter. Criteria: Invitae Variant Classification Sherloc (09022015). Collection method: clinical testing. Allele origin: germline.
Comment: This sequence change replaces methionine, which is neutral and non-polar, with threonine, which is neutral and polar, at codon 647 of the SLC7A14 protein (p.Met647Thr). This variant is present in population databases (no rsID available, gnomAD 0.007%). This variant has not been reported in the literature in individuals affected with SLC7A14-related conditions. ClinVar contains an entry for this variant (Variation ID: 1008601). An algorithm developed to predict the effect of missense changes on protein structure and function (PolyPhen-2) suggests that this variant is likely to be disruptive. In summary, the available evidence is currently insufficient to determine the role of this variant in disease. Therefore, it has been classified as a Variant of Uncertain Significance.